The following is an entry in ClinVar:

ClinVar aggregate classification (germline): Uncertain significance (1 of 4 stars; one submission).

Conditions:
Dilated cardiomyopathy 1W (CMD1W). Identifiers: Orphanet 154, MedGen C1969639, MONDO:0012667, OMIM 611407.

Submission:

Labcorp Genetics (formerly Invitae), Labcorp
Classification: Uncertain significance for Dilated cardiomyopathy 1W. Last evaluated: 2025-10-27. Review status: criteria provided, single submitter. Criteria: Invitae Variant Classification Sherloc (09022015). Collection method: clinical testing. Allele origin: germline.
Comment: This sequence change replaces glutamic acid, which is acidic and polar, with lysine, which is basic and polar, at codon 645 of the VCL protein (p.Glu645Lys). This variant is present in population databases (rs766197411, gnomAD no frequency). This variant has not been reported in the literature in individuals affected with VCL-related conditions. An algorithm developed to predict the effect of missense changes on protein structure and function (PolyPhen-2) suggests that this variant is likely to be disruptive. In summary, the available evidence is currently insufficient to determine the role of this variant in disease. Therefore, it has been classified as a Variant of Uncertain Significance.

NM_014000.3(VCL):c.1933G>A (p.Glu645Lys)

Gene: VCL (vinculin; plus strand). Cytogenetic location: 10q22.2.
Variant type: single nucleotide variant.
Coding change: c.1933G>A on transcript NM_014000.3 (MANE Select); coding-DNA position 1933, G replaced by A.
Protein change: p.Glu645Lys; replaces glutamic acid 645 with lysine.
Molecular consequence: missense variant.
Genome position (GRCh38, 1-based): chr10:74,101,008, G>A. VCF-style: chr10-74101008-G-A. GRCh37 (hg19) VCF-style: chr10-75860766-G-A.
Other names: c.1933G>A, p.Glu645Lys (NM_003373.4); short protein forms E645K.
Identifiers: ClinVar variation 4738342 (VCV004738342.1).